The following is an entry in ClinVar:

ClinVar aggregate classification (germline): Uncertain significance. Review status: criteria provided, multiple submitters, no conflicts (2 of 4 stars). 2 submissions from 2 submitters: Uncertain significance (2). Last evaluated 2025-12-08.

Conditions:
Inborn genetic diseases. Identifiers: MedGen C0950123, MeSH D030342.

Submissions (2):

Ambry Genetics
Classification: Uncertain significance for Inborn genetic diseases. Last evaluated: 2025-12-08. Review status: criteria provided, single submitter. Criteria: Ambry Variant Classification Scheme 2023. Collection method: clinical testing. Allele origin: germline.

Women's Health and Genetics/Laboratory Corporation of America, LabCorp
Classification: Uncertain significance. Last evaluated: 2024-07-22. Review status: criteria provided, single submitter. Criteria: LabCorp Variant Classification Summary - May 2015. Collection method: clinical testing. Allele origin: germline.
Comment: Variant summary: ARFGEF1 c.3500A>C (p.Gln1167Pro) results in a non-conservative amino acid change in the encoded protein sequence. Four of five in-silico tools predict a damaging effect of the variant on protein function. The variant was absent in 245362 control chromosomes (gnomAD). The available data on variant occurrences in the general population are insufficient to allow any conclusion about variant significance. To our knowledge, no occurrence of c.3500A>C in individuals affected with Developmental Delay, Impaired Speech, And Behavioral Abnormalities, With Or Without Seizures and no experimental evidence demonstrating its impact on protein function have been reported. No submitters have cited clinical-significance assessments for this variant to ClinVar. Based on the evidence outlined above, the variant was classified as uncertain significance.

NM_006421.5(ARFGEF1):c.3500A>C (p.Gln1167Pro)

Gene: ARFGEF1 (ARF guanine nucleotide exchange factor 1; minus strand). Cytogenetic location: 8q13.2.
Variant type: single nucleotide variant.
Coding change: c.3500A>C on transcript NM_006421.5 (MANE Select); coding-DNA position 3500, A replaced by C.
Protein change: p.Gln1167Pro; replaces glutamine 1167 with proline.
Molecular consequence: missense variant. On other transcripts: non-coding transcript variant (1).
Genome position (GRCh38, 1-based): chr8:67,228,054, T>G on the plus strand (A>C on the coding strand, the complement: ARFGEF1 is on the minus strand). VCF-style: chr8-67228054-T-G. GRCh37 (hg19) VCF-style: chr8-68140289-T-G.
Other names: c.3500A>C (NM_006421.4); c.3500A>C, p.Gln1167Pro (NM_001413184.1, NM_001413185.1, NM_001413186.1 and 6 more transcripts); c.2900A>C, p.Gln967Pro (NM_001413188.1, NM_001413193.1, NM_001413197.1); c.3494A>C, p.Gln1165Pro (NM_001413190.1); c.2075A>C, p.Gln692Pro (NM_001413196.1); short protein forms Q1165P, Q1167P, Q692P, Q967P.
Identifiers: ClinVar variation 3339431 (VCV003339431.2).